The following is an entry in ClinVar:

ClinVar aggregate classification (germline): Uncertain significance (1 of 4 stars; one submission).

Conditions:
Mosaic variegated aneuploidy syndrome 1 (MVA1). Also called: Warburton-Anyane-Yeboa syndrome. Identifiers: Orphanet 1052, MedGen C1850343, MONDO:0009759, OMIM 257300.

Submission:

Labcorp Genetics (formerly Invitae), Labcorp
Classification: Uncertain significance for Mosaic variegated aneuploidy syndrome 1. Last evaluated: 2022-05-21. Review status: criteria provided, single submitter. Criteria: Invitae Variant Classification Sherloc (09022015). Collection method: clinical testing. Allele origin: germline.
Comment: In summary, the available evidence is currently insufficient to determine the role of this variant in disease. Therefore, it has been classified as a Variant of Uncertain Significance. Algorithms developed to predict the effect of sequence changes on RNA splicing suggest that this variant may disrupt the consensus splice site. This variant has not been reported in the literature in individuals affected with BUB1B-related conditions. This variant is not present in population databases (gnomAD no frequency). This sequence change falls in intron 21 of the BUB1B gene. It does not directly change the encoded amino acid sequence of the BUB1B protein.

NM_001211.6(BUB1B):c.2851-5T>C

Genes: BUB1B (BUB1 mitotic checkpoint serine/threonine kinase B; plus strand), BUB1B-PAK6 (BUB1B-PAK6 readthrough; plus strand). Cytogenetic location: 15q15.1.
Variant type: single nucleotide variant.
Coding change: c.2851-5T>C on transcript NM_001211.6 (MANE Select); 5 bases into the intron before coding-DNA position 2851, T replaced by C.
Molecular consequence: intron variant.
Genome position (GRCh38, 1-based): chr15:40,218,451, T>C. VCF-style: chr15-40218451-T-C. GRCh37 (hg19) VCF-style: chr15-40510652-T-C.
Other names: c.-201+784T>C (NM_001128628.3); c.-118+784T>C (NM_001128629.3).
Identifiers: ClinVar variation 1997644 (VCV001997644.4), dbSNP rs2542587382, ClinGen allele CA2580089338.
Genomic context (GRCh38, chr15:40,218,451, plus strand): 5'-CGAAATAAGCTGCCATGGTAGAGGCAGAGAATTATTTTAGCTGATGGTGCTTTTTGTGAT[T>C]TCAGGTAGACCTGTTTGGTATAGCAGATTTAGCACATTTACTATTGTTCAAGGAACACCT-3'